The following is an entry in ClinVar:

ClinVar aggregate classification (germline): Uncertain significance (1 of 4 stars; one submission).

Conditions:
Inborn genetic diseases. Identifiers: MedGen C0950123, MeSH D030342.

Submission:

Ambry Genetics
Classification: Uncertain significance for Inborn genetic diseases. Last evaluated: 2025-05-11. Review status: criteria provided, single submitter. Criteria: Ambry Variant Classification Scheme 2023. Collection method: clinical testing. Allele origin: germline.
Comment: The p.H378Q variant (also known as c.1134C>G), located in coding exon 10 of the CEP57 gene, results from a C to G substitution at nucleotide position 1134. The histidine at codon 378 is replaced by glutamine, an amino acid with highly similar properties. This amino acid position is conserved. In addition, the in silico prediction for this alteration is inconclusive. Based on the available evidence, the clinical significance of this variant remains unclear.

NM_014679.5(CEP57):c.1134C>G (p.His378Gln)

Gene: CEP57 (centrosomal protein 57; plus strand). Cytogenetic location: 11q21.
Variant type: single nucleotide variant.
Coding change: c.1134C>G on transcript NM_014679.5 (MANE Select); coding-DNA position 1134, C replaced by G.
Protein change: p.His378Gln; replaces histidine 378 with glutamine.
Molecular consequence: missense variant.
Genome position (GRCh38, 1-based): chr11:95,829,193, C>G. VCF-style: chr11-95829193-C-G. GRCh37 (hg19) VCF-style: chr11-95562357-C-G.
Other names: c.1107C>G, p.His369Gln (NM_001243776.2); c.1056C>G, p.His352Gln (NM_001243777.2); c.1053C>G, p.His351Gln (NM_001363604.2); short protein forms H352Q, H369Q, H351Q, H378Q.
Identifiers: ClinVar variation 4001043 (VCV004001043.1).